The following is an entry in ClinVar:

ClinVar aggregate classification (germline): Likely pathogenic (1 of 4 stars; one submission).

Conditions:
Very long chain acyl-CoA dehydrogenase deficiency (ACADVLD). Also called: Very Long-Chain Acyl-Coenzyme A Dehydrogenase Deficiency; VLCAD Deficiency. Identifiers: Orphanet 26793, MedGen C3887523, MONDO:0008723, OMIM 201475.

Allele frequency attached by ClinVar (database versions not stated): gnomAD exomes below 0.00001.
gnomAD v4.1: 1 of 1,612,960 alleles (0.000062%); no homozygotes.

Submission:

Wong Mito Lab, Molecular and Human Genetics, Baylor College of Medicine
Classification: Likely pathogenic for Very long chain acyl-CoA dehydrogenase deficiency. Last evaluated: 2019-11-01. Review status: criteria provided, single submitter. Criteria: ACMG Guidelines, 2015. Collection method: clinical testing. Allele origin: germline.
Comment: The NM_000018.3:c.1049G>T (NP_000009.1:p.Gly350Val) [GRCH38: NC_000017.11:g.7222837G>T] variant in ACADVL gene is interpretated to be Likely pathogenic based on ACMG guidelines (PMID: 25741868). This variant has been reported. This variant meets the following evidence codes reported in the ACMG guidelines: PM1, PM3, PP1, PP3, PP4

NM_000018.4(ACADVL):c.1049G>T (p.Gly350Val)

Gene: ACADVL (acyl-CoA dehydrogenase very long chain; plus strand). Cytogenetic location: 17p13.1.
Variant type: single nucleotide variant.
Coding change: c.1049G>T on transcript NM_000018.4 (MANE Select); coding-DNA position 1049, G replaced by T.
Protein change: p.Gly350Val; replaces glycine 350 with valine.
Molecular consequence: missense variant.
Genome position (GRCh38, 1-based): chr17:7,222,837, G>T. VCF-style: chr17-7222837-G-T. GRCh37 (hg19) VCF-style: chr17-7126156-G-T.
Other names: c.1118G>T, p.Gly373Val (NM_001270447.2); c.821G>T, p.Gly274Val (NM_001270448.2); c.983G>T, p.Gly328Val (NM_001033859.3); short protein forms G328V, G350V, G274V, G373V.
Identifiers: ClinVar variation 932872 (VCV000932872.2), dbSNP rs1343647718, ClinGen allele CA397724240.
Genomic context (GRCh38, chr17:7,222,837, plus strand): 5'-TCAAGGTTGCCATGCACATCCTCAACAATGGAAGGTTTGGCATGGCTGCGGCCCTGGCAG[G>T]TACCATGAGAGGCATCATTGCTAAGGCGGTGAGTACCCTGCCCGAGTCCCTAGGTAACCC-3'
Protein context (NP_000009.1, residues 340-360): GRFGMAAALA[Gly350Val]TMRGIIAKAV